The following is an entry in ClinVar:

NM_002693.3(POLG):c.1572del (p.Met525fs)

Gene: POLG (DNA polymerase gamma, catalytic subunit; minus strand). Cytogenetic location: 15q26.1.
Variant type: Deletion.
Coding change: c.1572del on transcript NM_002693.3 (MANE Select); coding-DNA position 1572, one base deleted (C; older notation c.1572delC).
Protein change: p.Met525fs; shifts the reading frame from methionine 525.
Molecular consequence: frameshift variant.
Genome position (GRCh38, 1-based): chr15:89,326,925, G deleted on the plus strand (C on the coding strand, the reverse complement: POLG is on the minus strand); the first of 3 consecutive G bases (chr15:89,326,925-89,326,927); deleting any one gives the same sequence. VCF-style (leftmost placement, unchanged base first): chr15-89326924-TG-T. GRCh37 (hg19) VCF-style: chr15-89870155-TG-T.
Other names: c.1572del, p.Met525fs (NM_001126131.2); short protein forms M525fs.
Identifiers: ClinVar variation 5013123 (VCV005013123.1).

ClinVar aggregate classification (germline): Pathogenic (1 of 4 stars; one submission).

Conditions:
POLG-related disorder. Also called: POLG-Related Spectrum Disorders; POLG-related condition; POLG-Related Disorders. Identifiers: MedGen C4763519.

Submission:

Myriad Genetics, Inc.
Classification: Pathogenic for POLG-related disorder. Last evaluated: 2024-05-29. Review status: criteria provided, single submitter. Criteria: Myriad Autosomal Dominant, Autosomal Recessive and X-Linked Classification Criteria (2023). Collection method: clinical testing. Allele origin: unknown.
Comment: NM_002693.2(POLG):c.1572delC(M525Wfs*28) is expected to be pathogenic in the context of POLG-related disorders. This variant is predicted to lead to an abnormal or absent protein product due to the creation of a premature termination codon in POLG, a gene where loss-of-function variants are known to be pathogenic. Please note: this variant was assessed in the context of healthy population screening.